The following is an entry in ClinVar:

ClinVar aggregate classification (germline): Uncertain significance (1 of 4 stars; one submission).

Allele frequency attached by ClinVar (database versions not stated): gnomAD 0.00001; TOPMed 0.00001; ExAC 0.00002; gnomAD exomes 0.00002.

Submission:

Labcorp Genetics (formerly Invitae), Labcorp
Classification: Uncertain significance. Last evaluated: 2024-09-06. Review status: criteria provided, single submitter. Criteria: Invitae Variant Classification Sherloc (09022015). Collection method: clinical testing. Allele origin: germline.
Comment: This sequence change replaces arginine, which is basic and polar, with histidine, which is basic and polar, at codon 679 of the MICAL1 protein (p.Arg679His). This variant is present in population databases (rs751605630, gnomAD 0.02%). This variant has not been reported in the literature in individuals affected with MICAL1-related conditions. An algorithm developed to predict the effect of missense changes on protein structure and function (PolyPhen-2) suggests that this variant is likely to be tolerated. In summary, the available evidence is currently insufficient to determine the role of this variant in disease. Therefore, it has been classified as a Variant of Uncertain Significance.

NM_022765.4(MICAL1):c.1979G>A (p.Arg660His)

Gene: MICAL1 (microtubule associated monooxygenase, calponin and LIM domain containing 1; minus strand). Cytogenetic location: 6q21.
Variant type: single nucleotide variant.
Coding change: c.1979G>A on transcript NM_022765.4 (MANE Select); coding-DNA position 1979, G replaced by A.
Protein change: p.Arg660His; replaces arginine 660 with histidine.
Molecular consequence: missense variant.
Genome position (GRCh38, 1-based): chr6:109,447,688, C>T on the plus strand (G>A on the coding strand, the complement: MICAL1 is on the minus strand). VCF-style: chr6-109447688-C-T. GRCh37 (hg19) VCF-style: chr6-109768891-C-T.
Other names: c.1721G>A, p.Arg574His (NM_001159291.2); c.2036G>A, p.Arg679His (NM_001286613.2); short protein forms R660H, R574H, R679H.
Identifiers: ClinVar variation 2909778 (VCV002909778.3), dbSNP rs751605630, ClinGen allele CA3953138.